The following is an entry in ClinVar:

NM_006618.5(KDM5B):c.3963C>T (p.Asn1321=)

Gene: KDM5B (lysine demethylase 5B; minus strand). Cytogenetic location: 1q32.1.
Variant type: single nucleotide variant.
Coding change: c.3963C>T on transcript NM_006618.5 (MANE Select); coding-DNA position 3963, C replaced by T.
Protein change: p.Asn1321=; no amino-acid change (asparagine 1321 retained).
Molecular consequence: synonymous variant.
Genome position (GRCh38, 1-based): chr1:202,731,886, G>A on the plus strand (C>T on the coding strand, the complement: KDM5B is on the minus strand). VCF-style: chr1-202731886-G-A. GRCh37 (hg19) VCF-style: chr1-202701014-G-A.
Other names: c.4071C>T, p.Asn1357= (NM_001314042.2); c.3828C>T, p.Asn1276= (NM_001347591.2); c.3948C>T, p.Asn1316= (NM_001399817.1).
Identifiers: ClinVar variation 3058083 (VCV003058083.15), dbSNP rs374594161, ClinGen allele CA1334075.

ClinVar aggregate classification (germline): Likely benign. Review status: criteria provided, single submitter (1 of 4 stars). 2 submissions from 2 submitters: Likely benign (1). 1 of the submissions does not count toward it. Last evaluated 2025-05-01.

Conditions:
KDM5B-related disorder. Also called: KDM5B-related condition.

Allele frequency attached by ClinVar (database versions not stated): ExAC 0.00007; gnomAD exomes 0.00011; ESP Exome Variant Server 0.00015; gnomAD 0.00069; TOPMed 0.00071.
gnomAD v4.1: 276 of 1,613,540 alleles (0.017%); highest among the groups gnomAD compares: Admixed American, 0.24%; 1 homozygote.

Submissions (2):

CeGaT Center for Human Genetics Tuebingen
Classification: Likely benign. Last evaluated: 2025-05-01. Review status: criteria provided, single submitter. Criteria: CeGaT Center For Human Genetics Tuebingen Variant Classification Criteria Version 2. Collection method: clinical testing. Allele origin: germline. Affected: yes. Observed: 2 variant alleles.
Comment: KDM5B: BP4, BP7

PreventionGenetics, part of Exact Sciences
Classification: Likely benign for KDM5B-related condition. Last evaluated: 2024-02-20. Review status: no assertion criteria provided. Collection method: clinical testing. Allele origin: germline. Not counted in ClinVar's aggregate classification.
Comment: This variant is classified as likely benign based on ACMG/AMP sequence variant interpretation guidelines (Richards et al. 2015 PMID: 25741868, with internal and published modifications).